The following is an entry in ClinVar:

ClinVar aggregate classification (germline): Uncertain significance (1 of 4 stars; one submission).

Conditions:
Hereditary cancer-predisposing syndrome. Also called: Neoplastic Syndromes, Hereditary; Tumor predisposition; Hereditary Cancer Syndrome; Hereditary neoplastic syndrome. Identifiers: Orphanet 140162, MedGen C0027672, MeSH D009386, MONDO:0015356.

Submission:

Ambry Genetics
Classification: Uncertain significance for Hereditary cancer-predisposing syndrome. Last evaluated: 2024-07-08. Review status: criteria provided, single submitter. Criteria: Ambry Variant Classification Scheme 2023. Collection method: clinical testing. Allele origin: germline.
Comment: The p.N67H variant (also known as c.199A>C), located in coding exon 2 of the PRKAR1A gene, results from an A to C substitution at nucleotide position 199. The asparagine at codon 67 is replaced by histidine, an amino acid with similar properties. This amino acid position is conserved. In addition, this alteration is predicted to be tolerated by in silico analysis. Based on the available evidence, the clinical significance of this variant remains unclear.

NM_002734.5(PRKAR1A):c.199A>C (p.Asn67His)

Gene: PRKAR1A (protein kinase cAMP-dependent type I regulatory subunit alpha; plus strand). Cytogenetic location: 17q24.2.
Variant type: single nucleotide variant.
Coding change: c.199A>C on transcript NM_002734.5 (MANE Select); coding-DNA position 199, A replaced by C.
Protein change: p.Asn67His; replaces asparagine 67 with histidine.
Molecular consequence: missense variant.
Genome position (GRCh38, 1-based): chr17:68,522,777, A>C. VCF-style: chr17-68522777-A-C. GRCh37 (hg19) VCF-style: chr17-66518918-A-C.
Other names: c.199A>C, p.Asn67His (NM_001276289.2, NM_001276290.1, NM_001278433.2 and 4 more transcripts); short protein forms N67H.
Identifiers: ClinVar variation 3425056 (VCV003425056.1).
Genomic context (GRCh38, chr17:68,522,777, plus strand): 5'-CCGAAGGATCTCATTTTGCAAACTCGTAATTTCTTTCAGGAGGAGGCAAAACAGATTCAG[A>C]ATCTGCAGAAAGCAGGCACTCGTACAGACTCAAGGGAGGATGAGATTTCTCCTCCTCCAC-3'
Protein context (NP_002725.1, residues 57-77): LEKEEAKQIQ[Asn67His]LQKAGTRTDS